The following is an entry in ClinVar:

ClinVar aggregate classification (germline): Likely benign (1 of 4 stars; one submission).

Submission:

CeGaT Center for Human Genetics Tuebingen
Classification: Likely benign. Last evaluated: 2026-01-01. Review status: criteria provided, single submitter. Criteria: CeGaT Center For Human Genetics Tuebingen Variant Classification Criteria Version 2. Collection method: clinical testing. Allele origin: germline. Affected: yes. Observed: 3 variant alleles.
Comment: KRTAP4-7: BP4, BP7

NM_033061.4(KRTAP4-7):c.267C>T (p.Cys89=)

Gene: KRTAP4-7 (keratin associated protein 4-7; plus strand). Cytogenetic location: 17q21.2.
Variant type: single nucleotide variant.
Coding change: c.267C>T on transcript NM_033061.4 (MANE Select); coding-DNA position 267, C replaced by T.
Protein change: p.Cys89=; no amino-acid change (cysteine 89 retained).
Molecular consequence: synonymous variant.
Genome position (GRCh38, 1-based): chr17:41,084,473, C>T. VCF-style: chr17-41084473-C-T. GRCh37 (hg19) VCF-style: chr17-39240725-C-T.
Identifiers: ClinVar variation 4083763 (VCV004083763.8).